The following is an entry in ClinVar:

NM_000681.4(ADRA2A):c.901C>A (p.Arg301Ser)

Gene: ADRA2A (adrenoceptor alpha 2A; plus strand). Cytogenetic location: 10q25.2.
Variant type: single nucleotide variant.
Coding change: c.901C>A on transcript NM_000681.4 (MANE Select); coding-DNA position 901, C replaced by A.
Protein change: p.Arg301Ser; replaces arginine 301 with serine.
Molecular consequence: missense variant.
Genome position (GRCh38, 1-based): chr10:111,078,897, C>A. VCF-style: chr10-111078897-C-A. GRCh37 (hg19) VCF-style: chr10-112838655-C-A.
Other names: short protein forms R301S.
Identifiers: ClinVar variation 4852266 (VCV004852266.1).
Genomic context (GRCh38, chr10:111,078,897, plus strand): 5'-GCCGAACCGCTGCCCACCCAGCTCAACGGCGCCCCTGGCGAGCCCGCGCCGGCCGGGCCG[C>A]GCGACACCGACGCGCTGGACCTGGAGGAGAGCTCGTCTTCCGACCACGCCGAGCGGCCTC-3'
Protein context (NP_000672.3, residues 291-311): APGEPAPAGP[Arg301Ser]DTDALDLEES

ClinVar aggregate classification (germline): Likely benign (1 of 4 stars; one submission).

Conditions:
Lipodystrophy, familial partial, type 8 (FPLD8). Identifiers: MedGen C5882744, MONDO:0958022, OMIM 620679.

Submission:

Centre for Medical Genetics,  Mumbai
Classification: Likely benign for Lipodystrophy, familial partial, type 8. Last evaluated: 2026-04-27. Review status: criteria provided, single submitter. Criteria: ACMG Guidelines, 2015. Collection method: provider interpretation. Allele origin: germline. Inheritance: Autosomal dominant inheritance. Affected: no. Observed: 1 variant allele, 1 heterozygote.
Comment: The variant satisfies PM2 criteria - extremely low frequency in gnomAD population databases. The variant satisfies BP4 criteria - for a missense or a splice region variant, computational prediction tools unanimously support a benign effect on the gene. However, the variant satisfies BS2 criteria - present in heterozygous state in an individual that clinically does not have Lipodystrophy, familial partial, type 8.

Literature cited by the submitters: PubMed 27376152.